The following is an entry in ClinVar:

NM_001267550.2(TTN):c.25046C>T (p.Ala8349Val)

Gene: TTN (titin; minus strand). Cytogenetic location: 2q31.2.
Variant type: single nucleotide variant.
Coding change: c.25046C>T on transcript NM_001267550.2 (MANE Select); coding-DNA position 25046, C replaced by T.
Protein change: p.Ala8349Val; replaces alanine 8349 with valine.
Molecular consequence: missense variant. On other transcripts: intron variant (3).
Genome position (GRCh38, 1-based): chr2:178,717,960, G>A on the plus strand (C>T on the coding strand, the complement: TTN is on the minus strand). VCF-style: chr2-178717960-G-A. GRCh37 (hg19) VCF-style: chr2-179582687-G-A.
Other names: c.24095C>T, p.Ala8032Val (NM_001256850.1); c.21314C>T, p.Ala7105Val (NM_133378.4); c.13282+20122C>T (NM_003319.4); c.13858+20122C>T (NM_133437.4); c.13657+20122C>T (NM_133432.3); short protein forms A7105V, A8032V, A8349V.
Identifiers: ClinVar variation 2630226 (VCV002630226.2), dbSNP rs397517513, ClinGen allele CA349490265.

ClinVar aggregate classification (germline): Uncertain significance (1 of 4 stars; one submission).

Conditions:
TTN-related disorder. Also called: TTN-related disorders; TTN-related condition; TTN-related disease.

gnomAD v4.1: 3 of 1,612,456 alleles (0.00019%); highest among the groups gnomAD compares: African/African-American, 0.004%; no homozygotes.

Submission:

PreventionGenetics, part of Exact Sciences
Classification: Uncertain significance for TTN-related condition. Last evaluated: 2025-05-24. Review status: criteria provided, single submitter. Criteria: ACMG Guidelines, 2015. Collection method: clinical testing. Allele origin: germline.
Comment: The TTN c.25046C>T variant is predicted to result in the amino acid substitution p.Ala8349Val. To our knowledge, this variant has not been reported in the literature or in a large population database (gnomAD), indicating this variant is rare. At this time, the clinical significance of this variant is uncertain due to the absence of conclusive functional and genetic evidence.